The following is an entry in ClinVar:

ClinVar aggregate classification (germline): Conflicting classifications of pathogenicity. Review status: criteria provided, conflicting classifications (1 of 4 stars). 2 submissions from 2 submitters: Likely pathogenic (1); Uncertain significance (1). Last evaluated 2024-10-09.

Conditions:
8q24.3 microdeletion syndrome. Also called: Verheij syndrome; CHROMOSOME 8q24.3 DELETION SYNDROME. Identifiers: Orphanet 508488, MedGen C3810023, MONDO:0014263, OMIM 615583.

Allele frequency attached by ClinVar (database versions not stated): gnomAD exomes below 0.00001.
gnomAD v4.1: 1 of 1,612,002 alleles (0.000062%); highest among the groups gnomAD compares: African/African-American, 0.0013%; no homozygotes.

Submissions (2):

Victorian Clinical Genetics Services, Murdoch Childrens Research Institute
Classification: Likely pathogenic for 8q24.3 microdeletion syndrome. Last evaluated: 2024-10-09. Review status: criteria provided, single submitter. Criteria: ACMG Guidelines, 2015. Collection method: clinical testing. Allele origin: germline. Inheritance: Autosomal dominant inheritance. Affected: yes.
Comment: Based on the classification scheme VCGS_Germline_v1.3.4, this variant is classified as Likely pathogenic. Following criteria are met: 0102 - Loss of function is a known mechanism of disease in this gene and is associated with Verheij syndrome (MIM# 615583). (I) 0107 - This gene is associated with autosomal dominant disease. (I) 0115 - Variants in this gene are known to have variable expressivity (PMID: 28327570). (I) 0200 - Variant is predicted to result in a missense amino acid change from arginine to cysteine. (I) 0251 - This variant is heterozygous. (I) 0301 - Variant is absent from gnomAD (both v2 and v3). (SP) 0501 - Missense variant consistently predicted to be damaging by multiple in silico tools or highly conserved with a major amino acid change. (SP) 0603 - Missense variant in a region that is highly intolerant to missense variation (high constraint region in DECIPHER). (SP) 0705 - No comparable missense variants have previous evidence for pathogenicity. (I) 0809 - Previous evidence of pathogenicity for this variant is inconclusive. It has been reported as a VUS by a diagnostic laboratory in ClinVar. However, neither phenotypic nor curation details were provided. (I) 0905 - No published segregation evidence has been identified for this variant. (I) 1007 - No published functional evidence has been identified for this variant. (SP) Legend: (SP) - Supporting pathogenic, (I) - Information, (SB) - Supporting benign

CeGaT Center for Human Genetics Tuebingen
Classification: Uncertain significance. Last evaluated: 2022-01-01. Review status: criteria provided, single submitter. Criteria: CeGaT Center For Human Genetics Tuebingen Variant Classification Criteria Version 2. Collection method: clinical testing. Allele origin: germline. Affected: yes. Observed: 1 variant allele.

Literature cited by the submitters: PubMed 28327570 (cited by Victorian Clinical Genetics Services, Murdoch Childrens Research Institute).

NM_078480.3(PUF60):c.436C>T (p.Arg146Cys)

Gene: PUF60 (poly(U) binding splicing factor 60; minus strand). Cytogenetic location: 8q24.3.
Variant type: single nucleotide variant.
Coding change: c.436C>T on transcript NM_078480.3 (MANE Select); coding-DNA position 436, C replaced by T.
Protein change: p.Arg146Cys; replaces arginine 146 with cysteine.
Molecular consequence: missense variant.
Genome position (GRCh38, 1-based): chr8:143,818,447, G>A on the plus strand (C>T on the coding strand, the complement: PUF60 is on the minus strand). VCF-style: chr8-143818447-G-A. GRCh37 (hg19) VCF-style: chr8-144900617-G-A.
Other names: c.256C>T, p.Arg86Cys (NM_001271100.2); c.547C>T, p.Arg183Cys (NM_001362895.2, NM_001362896.2); c.496C>T, p.Arg166Cys (NM_001362897.2); c.385C>T, p.Arg129Cys (NM_014281.5); c.307C>T, p.Arg103Cys (NM_001136033.3); c.382C>T, p.Arg128Cys (NM_001271096.2); c.298C>T, p.Arg100Cys (NM_001271097.2); c.433C>T, p.Arg145Cys (NM_001271098.2); and 1 more; short protein forms R100C, R103C, R117C, R128C, R129C, R145C, R146C, R166C.
Identifiers: ClinVar variation 1333185 (VCV001333185.36), dbSNP rs2130257405, ClinGen allele CA090946.
Genomic context (GRCh38, chr8:143,818,447, plus strand): 5'-TGACGGAGTCCCAGGACATGTCGATGCTCTTGATGGGGCCAAAGGGGGCAAAGGCCTGGC[G>A]GATGGTGTCCTCCCCCAGCTCATAGTAGATAGAGCCCACGTAGACGCGGCACATGATGGC-3'
Protein context (NP_510965.1, residues 136-156): IYYELGEDTI[Arg146Cys]QAFAPFGPIK